The following is an entry in ClinVar:

NM_000135.4(FANCA):c.1801G>A (p.Val601Met)

Gene: FANCA (FA complementation group A; minus strand). Cytogenetic location: 16q24.3.
Variant type: single nucleotide variant.
Coding change: c.1801G>A on transcript NM_000135.4 (MANE Select); coding-DNA position 1801, G replaced by A.
Protein change: p.Val601Met; replaces valine 601 with methionine.
Molecular consequence: missense variant.
Genome position (GRCh38, 1-based): chr16:89,778,826, C>T on the plus strand (G>A on the coding strand, the complement: FANCA is on the minus strand). VCF-style: chr16-89778826-C-T. GRCh37 (hg19) VCF-style: chr16-89845234-C-T.
Other names: c.1801G>A (NM_000135.3); c.1801G>A, p.Val601Met (NM_001286167.3); short protein forms V601M.
Identifiers: ClinVar variation 3581528 (VCV003581528.3).

ClinVar aggregate classification (germline): Uncertain significance. Review status: criteria provided, multiple submitters, no conflicts (2 of 4 stars). 3 submissions from 3 submitters: Uncertain significance (2). 1 of the submissions does not count toward it. Last evaluated 2025-07-28.

Conditions:
Inborn genetic diseases. Identifiers: MedGen C0950123, MeSH D030342.
Fanconi anemia (FA). Also called: Fanconi's anemia. Identifiers: Orphanet 84, MedGen C0015625, MeSH D005199, MONDO:0019391.
Fanconi anemia complementation group A (FANCA). Also called: FANCA-Related Fanconi Anemia; Fanconi anemia, group A. Identifiers: Orphanet 84, MedGen C3469521, MONDO:0009215, OMIM 227650.

gnomAD v4.1: 2 of 1,614,046 alleles (0.00012%); highest among the groups gnomAD compares: Non-Finnish European, 0.000085%; no homozygotes.

Submissions (3):

Ambry Genetics
Classification: Uncertain significance for Inborn genetic diseases. Last evaluated: 2025-07-28. Review status: criteria provided, single submitter. Criteria: Ambry Variant Classification Scheme 2023. Collection method: clinical testing. Allele origin: germline.
Comment: The p.V601M variant (also known as c.1801G>A), located in coding exon 20 of the FANCA gene, results from a G to A substitution at nucleotide position 1801. The valine at codon 601 is replaced by methionine, an amino acid with highly similar properties. This amino acid position is conserved. In addition, this alteration is predicted to be tolerated by in silico analysis. Based on the available evidence, the clinical significance of this variant remains unclear.

Fulgent Genetics
Classification: Uncertain significance for Fanconi anemia complementation group A. Last evaluated: 2024-01-24. Review status: criteria provided, single submitter. Criteria: ACMG Guidelines, 2015. Collection method: clinical testing. Allele origin: germline.

Natera, Inc.
Classification: Uncertain significance for Fanconi anemia. Last evaluated: 2025-01-03. Review status: no assertion criteria provided. Collection method: clinical testing. Allele origin: germline. Not counted in ClinVar's aggregate classification.